The following is an entry in ClinVar:

NM_012448.4(STAT5B):c.1906+1G>A

Gene: STAT5B (signal transducer and activator of transcription 5B; minus strand). Cytogenetic location: 17q21.2.
Variant type: single nucleotide variant.
Coding change: c.1906+1G>A on transcript NM_012448.4 (MANE Select); the canonical splice donor site of the intron after coding-DNA position 1906, G replaced by A.
Molecular consequence: splice donor variant.
Genome position (GRCh38, 1-based): chr17:42,210,170, C>T on the plus strand (G>A on the coding strand, the complement: STAT5B is on the minus strand). VCF-style: chr17-42210170-C-T. GRCh37 (hg19) VCF-style: chr17-40362188-C-T.
Identifiers: ClinVar variation 1066569 (VCV001066569.10), dbSNP rs750399917, ClinGen allele CA290737595.
Genomic context (GRCh38, chr17:42,210,170, plus strand): 5'-GTTAAAATAATTTTGTAACGAAAGCAGCTAACTTTGGACATAAGAAGGGAGGGGCACTCA[C>T]GAGAATCAAACTTCCAAGCAATGGTGATGCCGCCAATTTCTGAGTCACTGAATCTCAGGA-3'

ClinVar aggregate classification (germline): Likely pathogenic. Review status: criteria provided, multiple submitters, no conflicts (2 of 4 stars). 2 submissions from 2 submitters: Likely pathogenic (2). Last evaluated 2025-05-22.

Conditions:
Growth hormone insensitivity with immune dysregulation 1, autosomal recessive. Also called: GROWTH HORMONE INSENSITIVITY DUE TO POSTRECEPTOR DEFECT; LARON SYNDROME DUE TO POSTRECEPTOR DEFECT; Laron syndrome with immunodeficiency; GROWTH HORMONE INSENSITIVITY SYNDROME WITH IMMUNE DYSREGULATION 1, AUTOSOMAL RECESSIVE. Identifiers: Orphanet 220465, MedGen C5435698, MONDO:0100211, OMIM 245590.

Allele frequency attached by ClinVar (database versions not stated): gnomAD exomes below 0.00001.
gnomAD v4.1: 1 of 1,614,148 alleles (0.000062%); highest among the groups gnomAD compares: Non-Finnish European, 0.000085%; no homozygotes.

Submissions (3):

Labcorp Genetics (formerly Invitae), Labcorp
Classification: Likely pathogenic for Growth hormone insensitivity with immune dysregulation 1, autosomal recessive. Last evaluated: 2025-05-22. Review status: criteria provided, single submitter. Criteria: Invitae Variant Classification Sherloc (09022015). Collection method: clinical testing. Allele origin: germline.
Comment: This sequence change affects a donor splice site in intron 15 of the STAT5B gene. It is expected to disrupt RNA splicing. Variants that disrupt the donor or acceptor splice site typically lead to a loss of protein function (PMID: 16199547), and loss-of-function variants in STAT5B are known to be pathogenic (PMID: 15827093). This variant is not present in population databases (gnomAD no frequency). This variant has not been reported in the literature in individuals affected with STAT5B-related conditions. ClinVar contains an entry for this variant (Variation ID: 1066569). Algorithms developed to predict the effect of sequence changes on RNA splicing suggest that this variant may disrupt the consensus splice site. In summary, the currently available evidence indicates that the variant is pathogenic, but additional data are needed to prove that conclusively. Therefore, this variant has been classified as Likely Pathogenic.

Revvity Omics, Revvity
Classification: Likely pathogenic. Last evaluated: 2023-02-28. Review status: criteria provided, single submitter. Criteria: ACMG Guidelines, 2015. Collection method: clinical testing. Allele origin: germline.

Dr. Peter K. Rogan Lab, Western University
No classification provided (evidence only). Condition: Familial prostate cancer. Review status: no classification provided. Collection method: in vitro. Allele origin: not applicable. Functional consequence: skipped exon. Not counted in ClinVar's aggregate classification.

Literature cited by the submitters: PubMed 16199547 (cited by Labcorp Genetics (formerly Invitae), Labcorp); PubMed 15827093 (cited by Labcorp Genetics (formerly Invitae), Labcorp).